The following is an entry in ClinVar:

ClinVar aggregate classification (germline): Uncertain significance (1 of 4 stars; one submission).

Conditions:
Hereditary nonpolyposis colorectal neoplasms. Identifiers: MedGen C0009405, MeSH D003123.

Submission:

Labcorp Genetics (formerly Invitae), Labcorp
Classification: Uncertain significance for Hereditary nonpolyposis colorectal neoplasms. Last evaluated: 2025-10-09. Review status: criteria provided, single submitter. Criteria: Invitae Variant Classification Sherloc (09022015). Collection method: clinical testing. Allele origin: germline.
Comment: This sequence change replaces methionine, which is neutral and non-polar, with threonine, which is neutral and polar, at codon 711 of the PMS2 protein (p.Met711Thr). The frequency data for this variant in the population databases (gnomAD) is considered unreliable due to the presence of homologous sequence, such as pseudogenes or paralogs, in the genome. This variant has not been reported in the literature in individuals affected with PMS2-related conditions. Invitae Evidence Modeling incorporating data from in vitro experimental studies (internal data) indicates that this missense variant is not expected to disrupt PMS2 function with a negative predictive value of 95%. In summary, the available evidence is currently insufficient to determine the role of this variant in disease. Therefore, it has been classified as a Variant of Uncertain Significance.

NM_000535.7(PMS2):c.2132T>C (p.Met711Thr)

Gene: PMS2 (PMS1 homolog 2, mismatch repair system component; minus strand). Cytogenetic location: 7p22.1.
Variant type: single nucleotide variant.
Coding change: c.2132T>C on transcript NM_000535.7 (MANE Select); coding-DNA position 2132, T replaced by C.
Protein change: p.Met711Thr; replaces methionine 711 with threonine.
Molecular consequence: missense variant. On other transcripts: non-coding transcript variant (1), intron variant (4).
Genome position (GRCh38, 1-based): chr7:5,982,866, A>G on the plus strand (T>C on the coding strand, the complement: PMS2 is on the minus strand). VCF-style: chr7-5982866-A-G. GRCh37 (hg19) VCF-style: chr7-6022497-A-G.
Other names: c.1727T>C, p.Met576Thr (NM_001322003.2, NM_001322004.2, NM_001322005.2 and 14 more transcripts); c.1976T>C, p.Met659Thr (NM_001322006.2, NM_001406870.1); c.1814T>C, p.Met605Thr (NM_001322007.2, NM_001322008.2, NM_001406876.1 and 1 more transcripts); c.1571T>C, p.Met524Thr (NM_001322010.2, NM_001406906.1, NM_001406907.1); c.1199T>C, p.Met400Thr (NM_001322011.2, NM_001322012.2); c.1559T>C, p.Met520Thr (NM_001322013.2, NM_001406909.1); c.2132T>C, p.Met711Thr (NM_001322014.2, NM_001406871.1); c.1823T>C, p.Met608Thr (NM_001322015.2, NM_001406875.1, NM_001406877.1 and 5 more transcripts); and 16 more; short protein forms M454T, M553T, M589T, M556T, M655T, M773T, M400T, M520T.
Identifiers: ClinVar variation 4751819 (VCV004751819.1).